The following is an entry in ClinVar:

ClinVar aggregate classification (germline): Uncertain significance (1 of 4 stars; one submission).

gnomAD v4.1: 8 of 1,552,216 alleles (0.00052%); highest among the groups gnomAD compares: Non-Finnish European, 0.00052%; no homozygotes.

Submission:

Labcorp Genetics (formerly Invitae), Labcorp
Classification: Uncertain significance. Last evaluated: 2024-11-15. Review status: criteria provided, single submitter. Criteria: Invitae Variant Classification Sherloc (09022015). Collection method: clinical testing. Allele origin: germline.
Comment: This sequence change replaces leucine, which is neutral and non-polar, with methionine, which is neutral and non-polar, at codon 135 of the CLIC5 protein (p.Leu135Met). This variant is present in population databases (no rsID available, gnomAD 0.002%). This variant has not been reported in the literature in individuals affected with CLIC5-related conditions. An algorithm developed to predict the effect of missense changes on protein structure and function (PolyPhen-2) suggests that this variant is likely to be tolerated. In summary, the available evidence is currently insufficient to determine the role of this variant in disease. Therefore, it has been classified as a Variant of Uncertain Significance.

NC_000006.12:g.46079840G>T

Gene: CLIC5 (CLIC family member 5; minus strand). Cytogenetic location: 6p21.1.
Variant type: single nucleotide variant.
Molecular consequence: missense variant (on NM_001114086.2). On other transcripts: intron variant (1).
Genome position: GRCh38 VCF-style: chr6-46079840-G-T. GRCh37 (hg19) VCF-style: chr6-46047577-G-T.
Other names: c.403C>A, p.Leu135Met (NM_001114086.2, NM_001370650.1); c.-55+49664C>A (NM_001370649.1); short protein forms L135M.
Identifiers: ClinVar variation 3694895 (VCV003694895.2).